The following is an entry in ClinVar:

NM_001903.5(CTNNA1):c.2304C>T (p.Pro768=)

Gene: CTNNA1 (catenin alpha 1; plus strand). Cytogenetic location: 5q31.2.
Variant type: single nucleotide variant.
Coding change: c.2304C>T on transcript NM_001903.5 (MANE Select); coding-DNA position 2304, C replaced by T.
Protein change: p.Pro768=; no amino-acid change (proline 768 retained).
Molecular consequence: synonymous variant. On other transcripts: intron variant (1).
Genome position (GRCh38, 1-based): chr5:138,932,583, C>T. VCF-style: chr5-138932583-C-T. GRCh37 (hg19) VCF-style: chr5-138268272-C-T.
Other names: c.2304C>T (NM_001903.4); c.2304C>T, p.Pro768= (NM_001290307.3, NM_001323982.2, NM_001323983.1 and 2 more transcripts); c.1995C>T, p.Pro665= (NM_001290309.3); c.1935C>T, p.Pro645= (NM_001290310.3); c.1194C>T, p.Pro398= (NM_001290312.1, NM_001323987.1, NM_001323988.1 and 16 more transcripts); c.2211C>T, p.Pro737= (NM_001323986.2); c.855C>T, p.Pro285= (NM_001324006.1, NM_001324007.1, NM_001324008.1 and 2 more transcripts); c.1101C>T, p.Pro367= (NM_001324011.1); and 2 more.
Identifiers: ClinVar variation 701985 (VCV000701985.20), dbSNP rs147022694, ClinGen allele CA3432166.
Genomic context (GRCh38, chr5:138,932,583, plus strand): 5'-CGGGGGTGCTTGGGCCAGGCCAGGATACTTGGTGTTAAGCCTGCTCTCTCTTCAGTGCCC[C>T]GACTCGGCTTGCAAGCAGGACCTGCTGGCCTACCTGCAACGCATCGCCCTCTACTGCCAC-3'
Protein context (NP_001894.2, residues 758-778): KLGRTIADHC[Pro768=]DSACKQDLLA

ClinVar aggregate classification (germline): Benign/Likely benign. Review status: criteria provided, multiple submitters, no conflicts (2 of 4 stars). 6 submissions from 6 submitters: Benign (2); Likely benign (3). 1 of the submissions does not count toward it. Last evaluated 2026-02-03.

Conditions:
CTNNA1-related disorder. Also called: CTNNA1-related condition.
Hereditary cancer-predisposing syndrome. Also called: Neoplastic Syndromes, Hereditary; Hereditary neoplastic syndrome; Hereditary Cancer Syndrome; Tumor predisposition. Identifiers: Orphanet 140162, MedGen C0027672, MeSH D009386, MONDO:0015356.
Hereditary diffuse gastric adenocarcinoma (HDGC). Also called: DIFFUSE GASTRIC AND LOBULAR BREAST CANCER SYNDROME. Identifiers: Orphanet 26106, MedGen C1708349, MONDO:0007648, OMIM 137215.
Hereditary nonpolyposis colon cancer (HNPCC). Also called: Hereditary Nonpolyposis Colorectal Cancer Syndrome; Hereditary nonpolyposis colorectal cancer; Familial nonpolyposis colon cancer. Identifiers: Orphanet 443909, MedGen C1333990, MONDO:0018630. Disease mechanism: loss of function.

Allele frequency attached by ClinVar (database versions not stated): gnomAD 0.00003; TOPMed 0.00003; ESP Exome Variant Server 0.00008; 1000 Genomes Project 30x 0.00016.
gnomAD v4.1: 111 of 1,614,082 alleles (0.0069%); highest among the groups gnomAD compares: South Asian, 0.1%; 2 homozygotes.

Submissions (6):

Labcorp Genetics (formerly Invitae), Labcorp
Classification: Benign. Last evaluated: 2026-02-03. Review status: criteria provided, single submitter. Criteria: Invitae Variant Classification Sherloc (09022015). Collection method: clinical testing. Allele origin: germline.

Myriad Genetics, Inc.
Classification: Benign for Hereditary diffuse gastric adenocarcinoma. Last evaluated: 2024-10-15. Review status: criteria provided, single submitter. Criteria: Myriad Autosomal Dominant, Autosomal Recessive and X-Linked Classification Criteria (2023). Collection method: clinical testing. Allele origin: unknown.
Comment: This variant is considered benign. This variant is a silent/synonymous amino acid change and it is not expected to impact splicing.

Blueprint Genetics
Classification: Likely benign. Last evaluated: 2024-07-09. Review status: criteria provided, single submitter. Criteria: ACMG Guidelines, 2015. Collection method: clinical testing. Allele origin: germline.

Department of Pathology and Laboratory Medicine, Sinai Health System
Classification: Likely benign for hereditary nonpolyposis colon cancer. Last evaluated: 2023-03-16. Review status: criteria provided, single submitter. Criteria: ACMG Guidelines, 2015. Collection method: clinical testing. Allele origin: germline. Affected: yes.

Ambry Genetics
Classification: Likely benign for Hereditary cancer-predisposing syndrome. Last evaluated: 2019-08-21. Review status: criteria provided, single submitter. Criteria: Ambry Variant Classification Scheme 2023. Collection method: clinical testing. Allele origin: germline.

PreventionGenetics, part of Exact Sciences
Classification: Likely benign for CTNNA1-related condition. Last evaluated: 2023-11-03. Review status: no assertion criteria provided. Collection method: clinical testing. Allele origin: germline. Not counted in ClinVar's aggregate classification.
Comment: This variant is classified as likely benign based on ACMG/AMP sequence variant interpretation guidelines (Richards et al. 2015 PMID: 25741868, with internal and published modifications).